The following is an entry in ClinVar:

NM_001347721.2(DYRK1A):c.1506A>G (p.Thr502=)

Gene: DYRK1A (dual specificity tyrosine phosphorylation regulated kinase 1A; plus strand). Cytogenetic location: 21q22.13.
Variant type: single nucleotide variant.
Coding change: c.1506A>G on transcript NM_001347721.2 (MANE Select); coding-DNA position 1506, A replaced by G.
Protein change: p.Thr502=; no amino-acid change (threonine 502 retained).
Molecular consequence: synonymous variant.
Genome position (GRCh38, 1-based): chr21:37,505,576, A>G. VCF-style: chr21-37505576-A-G. GRCh37 (hg19) VCF-style: chr21-38877879-A-G.
Other names: c.1506A>G, p.Thr502= (NM_001347722.2, NM_130436.2); c.1419A>G, p.Thr473= (NM_001347723.2); c.1533A>G, p.Thr511= (NM_001396.5, NM_101395.2, NM_130438.2).
Identifiers: ClinVar variation 2662485 (VCV002662485.2), dbSNP rs760555834, ClinGen allele CA10023983.

ClinVar aggregate classification (germline): Conflicting classifications of pathogenicity. Review status: criteria provided, conflicting classifications (1 of 4 stars). 2 submissions from 2 submitters: Uncertain significance (1); Likely benign (1). Last evaluated 2025-05-30.

Conditions:
DYRK1A-related intellectual disability syndrome (MRD7). Also called: Intellectual developmental disorder, autosomal dominant 7; DYRK1A Syndrome. Identifiers: Orphanet 464306, MedGen C5568143, MONDO:0013578, OMIM 614104.

Allele frequency attached by ClinVar (database versions not stated): gnomAD exomes below 0.00001; ExAC 0.00001; gnomAD 0.00001.
gnomAD v4.1: 8 of 1,604,156 alleles (0.0005%); highest among the groups gnomAD compares: South Asian, 0.0033%; no homozygotes.

Submissions (2):

Labcorp Genetics (formerly Invitae), Labcorp
Classification: Likely benign for DYRK1A-related intellectual disability syndrome. Last evaluated: 2025-05-30. Review status: criteria provided, single submitter. Criteria: Invitae Variant Classification Sherloc (09022015). Collection method: clinical testing. Allele origin: germline.

GeneDx
Classification: Uncertain significance. Last evaluated: 2023-04-14. Review status: criteria provided, single submitter. Criteria: GeneDx Variant Classification Process June 2021. Collection method: clinical testing. Allele origin: germline. Affected: yes.
Comment: In silico analysis suggests this variant may impact gene splicing. In the absence of RNA/functional studies, the actual effect of this sequence change is unknown.; Has not been previously published as pathogenic or benign to our knowledge